The following is an entry in ClinVar:

NM_021098.3(CACNA1H):c.6301G>A (p.Val2101Ile)

Gene: CACNA1H (calcium voltage-gated channel subunit alpha1 H; plus strand). Cytogenetic location: 16p13.3.
Variant type: single nucleotide variant.
Coding change: c.6301G>A on transcript NM_021098.3 (MANE Select); coding-DNA position 6301, G replaced by A.
Protein change: p.Val2101Ile; replaces valine 2101 with isoleucine.
Molecular consequence: missense variant.
Genome position (GRCh38, 1-based): chr16:1,220,233, G>A. VCF-style: chr16-1220233-G-A. GRCh37 (hg19) VCF-style: chr16-1270233-G-A.
Other names: c.6283G>A, p.Val2095Ile (NM_001005407.2); short protein forms V2095I, V2101I.
Identifiers: ClinVar variation 1018097 (VCV001018097.8), dbSNP rs1970373796, ClinGen allele CA394149467.

ClinVar aggregate classification (germline): Uncertain significance (1 of 4 stars; one submission).

Conditions:
Hyperaldosteronism, familial, type IV (HALD4). Also called: FH IV; ALDOSTERONISM, PRIMARY, AND HYPERTENSION. Identifiers: Orphanet 642671, MedGen C4310756, MONDO:0014875, OMIM 617027.
Idiopathic generalized epilepsy. Also called: Generalised epilepsy; EIG. Identifiers: MedGen C0270850, MONDO:0005579, OMIM 600669.

gnomAD v4.1: 2 of 1,584,374 alleles (0.00013%); no homozygotes.

Submission:

Labcorp Genetics (formerly Invitae), Labcorp
Classification: Uncertain significance for Idiopathic generalized epilepsy; Hyperaldosteronism, familial, type IV. Last evaluated: 2021-02-01. Review status: criteria provided, single submitter. Criteria: Invitae Variant Classification Sherloc (09022015). Collection method: clinical testing. Allele origin: germline.
Comment: In summary, the available evidence is currently insufficient to determine the role of this variant in disease. Therefore, it has been classified as a Variant of Uncertain Significance. Algorithms developed to predict the effect of missense changes on protein structure and function are either unavailable or do not agree on the potential impact of this missense change (SIFT: "Deleterious"; PolyPhen-2: "Probably Damaging"; Align-GVGD: "Class C0"). This variant has not been reported in the literature in individuals with CACNA1H-related conditions. This variant is not present in population databases (ExAC no frequency). This sequence change replaces valine with isoleucine at codon 2101 of the CACNA1H protein (p.Val2101Ile). The valine residue is highly conserved and there is a small physicochemical difference between valine and isoleucine.